The following is an entry in ClinVar:

NM_152753.4(SCUBE3):c.632C>T (p.Thr211Met)

Gene: SCUBE3 (signal peptide, CUB domain and EGF like domain containing 3; plus strand). Cytogenetic location: 6p21.31.
Variant type: single nucleotide variant.
Coding change: c.632C>T on transcript NM_152753.4 (MANE Select); coding-DNA position 632, C replaced by T.
Protein change: p.Thr211Met; replaces threonine 211 with methionine.
Molecular consequence: missense variant.
Genome position (GRCh38, 1-based): chr6:35,233,221, C>T. VCF-style: chr6-35233221-C-T. GRCh37 (hg19) VCF-style: chr6-35200998-C-T.
Other names: c.629C>T, p.Thr210Met (NM_001303136.2); short protein forms T210M, T211M.
Identifiers: ClinVar variation 2352024 (VCV002352024.4), dbSNP rs369592922, ClinGen allele CA3769269.

ClinVar aggregate classification (germline): Uncertain significance. Review status: criteria provided, multiple submitters, no conflicts (2 of 4 stars). 2 submissions from 2 submitters: Uncertain significance (2). Last evaluated 2025-06-01.

Conditions:
Inborn genetic diseases. Identifiers: MedGen C0950123, MeSH D030342.
Short stature, facial dysmorphism, and skeletal anomalies with or without cardiac anomalies 2. Identifiers: MedGen C5543057, MONDO:0030953, OMIM 619184.

Allele frequency attached by ClinVar (database versions not stated): ESP Exome Variant Server 0.00031; ExAC 0.00018; gnomAD exomes 0.00021; gnomAD 0.00015; TOPMed 0.00016.
gnomAD v4.1: 322 of 1,613,640 alleles (0.02%); highest among the groups gnomAD compares: Non-Finnish European, 0.026%; no homozygotes.

Submissions (2):

Clinical Genomics Laboratory, Washington University in St. Louis
Classification: Uncertain significance for Short stature, facial dysmorphism, and skeletal anomalies with or without cardiac anomalies 2. Last evaluated: 2025-06-01. Review status: criteria provided, single submitter. Criteria: ACMG Guidelines, 2015. Collection method: clinical testing. Allele origin: germline.
Comment: The SCUBE3 c.632C>T (p.Thr211Met) variant, to our knowledge, has not been reported in the medical literature but has been reported in the ClinVar database as a germline variant of uncertain significance by one submitter. This variant is only observed in 41/281,986 alleles in the general population (gnomAD v.2.1.1), indicating it is not a common variant. Computational predictors are uncertain as to the impact of this variant on SCUBE3 function. Due to limited information, and based on ACMG/AMP guidelines for variant interpretation (Richards S et al., PMID: 25741868), the clinical significance of this variant is uncertain at this time.

Ambry Genetics
Classification: Uncertain significance for Inborn genetic diseases. Last evaluated: 2024-10-25. Review status: criteria provided, single submitter. Criteria: Ambry Variant Classification Scheme 2023. Collection method: clinical testing. Allele origin: germline.